The following is an entry in ClinVar:

ClinVar aggregate classification (germline): Benign (0 of 4 stars; one submission).

Conditions:
MAP3K15-related disorder. Also called: MAP3K15-related condition.

Allele frequency attached by ClinVar (database versions not stated): ExAC 0.00442; gnomAD 0.01141; 1000 Genomes Project 30x 0.01249; 1000 Genomes Project 0.01298; TOPMed 0.01353; ESP Exome Variant Server 0.01420.
gnomAD v4.1: 2,757 of 1,209,486 alleles (0.23%); highest among the groups gnomAD compares: African/African-American, 4%; 39 homozygotes.

Submission:

PreventionGenetics, part of Exact Sciences
Classification: Benign for MAP3K15-related condition. Last evaluated: 2019-07-01. Review status: no assertion criteria provided. Collection method: clinical testing. Allele origin: germline.
Comment: This variant is classified as benign based on ACMG/AMP sequence variant interpretation guidelines (Richards et al. 2015 PMID: 25741868, with internal and published modifications).

NM_001001671.4(MAP3K15):c.2978C>T (p.Ser993Leu)

Gene: MAP3K15 (mitogen-activated protein kinase kinase kinase 15; minus strand). Cytogenetic location: Xp22.12.
Variant type: single nucleotide variant.
Coding change: c.2978C>T on transcript NM_001001671.4 (MANE Select); coding-DNA position 2978, C replaced by T.
Protein change: p.Ser993Leu; replaces serine 993 with leucine.
Molecular consequence: missense variant.
Genome position (GRCh38, 1-based): chrX:19,372,783, G>A on the plus strand (C>T on the coding strand, the complement: MAP3K15 is on the minus strand). VCF-style: chrX-19372783-G-A. GRCh37 (hg19) VCF-style: chrX-19390901-G-A.
Other names: short protein forms S993L.
Identifiers: ClinVar variation 3037357 (VCV003037357.2), dbSNP rs56233219, ClinGen allele CA10363585.